The following is an entry in ClinVar:

ClinVar aggregate classification (germline): Uncertain significance (1 of 4 stars; one submission).

Conditions:
Autoimmune lymphoproliferative syndrome type 1. Also called: AUTOIMMUNE LYMPHOPROLIFERATIVE SYNDROME, TYPE I, AUTOSOMAL DOMINANT. Identifiers: Orphanet 3261, MedGen C2717884, MONDO:0011158, OMIM 601859.

Submission:

Labcorp Genetics (formerly Invitae), Labcorp
Classification: Uncertain significance for Autoimmune lymphoproliferative syndrome. Last evaluated: 2022-05-20. Review status: criteria provided, single submitter. Criteria: Invitae Variant Classification Sherloc (09022015). Collection method: clinical testing. Allele origin: germline.
Comment: This variant, c.141_146del, results in the deletion of 2 amino acid(s) of the FASLG protein (p.Pro52_Pro53del), but otherwise preserves the integrity of the reading frame. This variant is present in population databases (rs780931354, gnomAD 0.04%). This variant has not been reported in the literature in individuals affected with FASLG-related conditions. Experimental studies and prediction algorithms are not available or were not evaluated, and the functional significance of this variant is currently unknown. In summary, the available evidence is currently insufficient to determine the role of this variant in disease. Therefore, it has been classified as a Variant of Uncertain Significance.

NM_000639.3(FASLG):c.135ACC[2] (p.Pro52_Pro53del)

Gene: FASLG (Fas ligand; plus strand). Cytogenetic location: 1q24.3.
Variant type: Microsatellite.
Coding change: c.135ACC[2] on transcript NM_000639.3 (MANE Select); two copies in a row of the 3-base unit ACC starting at c.135; the reference has four copies in a row; two copies, 6 bases deleted.
Protein change: p.Pro52_Pro53del.
Molecular consequence: inframe deletion.
Genome position (GRCh38, 1-based): chr1:172,659,342-172,659,347, ACCACC deleted; deleting any 6 consecutive bases within chr1:172,659,334-172,659,347 gives the same sequence; the position shown is the placement nearest the transcript's 3' end. VCF-style (leftmost placement, unchanged base first): chr1-172659333-GCCACCA-G. GRCh37 (hg19) VCF-style: chr1-172628473-GCCACCA-G.
Other names: c.135ACC[2], p.Pro52_Pro53del (NM_001302746.2).
Identifiers: ClinVar variation 2184615 (VCV002184615.1), dbSNP rs750792722, ClinGen allele CA1247447.
Genomic context (GRCh38, chr1:172,659,333, plus strand): 5'-CCCTCCAGGCACAGTTCTTCCCTGTCCAACCTCTGTGCCCAGAAGGCCTGGTCAAAGGAG[GCCACCA>G]CCACCACCGCCACCGCCACCACTACCACCTCCGCCGCCGCCGCCACCACTGCCTCCACTA-3'